The following is an entry in ClinVar:

ClinVar aggregate classification (germline): Pathogenic (1 of 4 stars; one submission).

Conditions:
Combined oxidative phosphorylation defect type 20. Also called: Combined oxidative phosphorylation deficiency 20. Identifiers: Orphanet 420728, MedGen C4014660, MONDO:0014397, OMIM 615917.

Submission:

Women's Health and Genetics/Laboratory Corporation of America, LabCorp
Classification: Pathogenic for Combined oxidative phosphorylation defect type 20. Last evaluated: 2023-08-09. Review status: criteria provided, single submitter. Criteria: LabCorp Variant Classification Summary - May 2015. Collection method: clinical testing. Allele origin: germline.
Comment: Variant summary: VARS2 c.420delC (p.Met141CysfsX64) results in a premature termination codon, predicted to cause absence of the protein due to nonsense mediated decay, a commonly known mechanism for disease. The variant allele was found at a frequency of 4e-06 in 248308 control chromosomes (gnomAD). To our knowledge, no occurrence of c.420delC in individuals affected with Combined Oxidative Phosphorylation Defect Type 20 and no experimental evidence demonstrating its impact on protein function have been reported. No submitters have cited clinical-significance assessments for this variant to ClinVar after 2014. Based on the evidence outlined above, the variant was classified as pathogenic.

NM_020442.6(VARS2):c.420del (p.Met141fs)

Gene: VARS2 (valyl-tRNA synthetase 2, mitochondrial; plus strand). Cytogenetic location: 6p21.33.
Variant type: Deletion.
Coding change: c.420del on transcript NM_020442.6 (MANE Select); coding-DNA position 420, one base deleted (C; older notation c.420delC).
Protein change: p.Met141fs; shifts the reading frame from methionine 141.
Molecular consequence: frameshift variant. On other transcripts: 5 prime UTR variant (1).
Genome position (GRCh38, 1-based): chr6:30,915,781, C deleted; the last of 2 consecutive C bases (chr6:30,915,780-30,915,781); deleting either gives the same sequence. VCF-style (leftmost placement, unchanged base first): chr6-30915779-TC-T. GRCh37 (hg19) VCF-style: chr6-30883556-TC-T.
Other names: c.-1del (NM_001167733.3); c.510del, p.Met171fs (NM_001167734.2); short protein forms M141fs, M171fs.
Identifiers: ClinVar variation 2581609 (VCV002581609.1), dbSNP rs1434914864, ClinGen allele CA566687568.